The following is an entry in ClinVar:

ClinVar aggregate classification (germline): Likely benign. Review status: criteria provided, multiple submitters, no conflicts (2 of 4 stars). 2 submissions from 2 submitters: Likely benign (2). Last evaluated 2025-10-31.

Conditions:
Mowat-Wilson syndrome (MOWS). Also called: Classic Mowat-Wilson Syndrome. Identifiers: Orphanet 2152, MedGen C1856113, MONDO:0009341, OMIM 235730.

Allele frequency attached by ClinVar (database versions not stated): gnomAD exomes 0.00001; ExAC 0.00002; 1000 Genomes Project 0.00020.
gnomAD v4.1: 10 of 1,613,596 alleles (0.00062%); highest among the groups gnomAD compares: South Asian, 0.0033%; no homozygotes.

Submissions (2):

Labcorp Genetics (formerly Invitae), Labcorp
Classification: Likely benign for Mowat-Wilson syndrome. Last evaluated: 2025-10-31. Review status: criteria provided, single submitter. Criteria: Invitae Variant Classification Sherloc (09022015). Collection method: clinical testing. Allele origin: germline.

CeGaT Center for Human Genetics Tuebingen
Classification: Likely benign. Last evaluated: 2024-07-01. Review status: criteria provided, single submitter. Criteria: CeGaT Center For Human Genetics Tuebingen Variant Classification Criteria Version 2. Collection method: clinical testing. Allele origin: germline. Affected: yes. Observed: 1 variant allele.
Comment: ZEB2: BP4

NM_014795.4(ZEB2):c.3204C>G (p.Gly1068=)

Gene: ZEB2 (zinc finger E-box binding homeobox 2; minus strand). Cytogenetic location: 2q22.3.
Variant type: single nucleotide variant.
Coding change: c.3204C>G on transcript NM_014795.4 (MANE Select); coding-DNA position 3204, C replaced by G.
Protein change: p.Gly1068=; no amino-acid change (glycine 1068 retained).
Molecular consequence: synonymous variant.
Genome position (GRCh38, 1-based): chr2:144,389,892, G>C on the plus strand (C>G on the coding strand, the complement: ZEB2 is on the minus strand). VCF-style: chr2-144389892-G-C. GRCh37 (hg19) VCF-style: chr2-145147459-G-C.
Other names: c.3132C>G, p.Gly1044= (NM_001171653.2).
Identifiers: ClinVar variation 3257040 (VCV003257040.18), dbSNP rs565634569.